The following is an entry in ClinVar:

ClinVar aggregate classification (germline): Uncertain significance. Review status: criteria provided, multiple submitters, no conflicts (2 of 4 stars). 2 submissions from 2 submitters: Uncertain significance (2). Last evaluated 2025-01-18.

Conditions:
MIEF1-related condition.

Allele frequency attached by ClinVar (database versions not stated): ExAC 0.00004; TOPMed 0.00005; gnomAD 0.00007.
gnomAD v4.1: 80 of 1,613,146 alleles (0.005%); highest among the groups gnomAD compares: African/African-American, 0.013%; no homozygotes.

Submissions (2):

PreventionGenetics, part of Exact Sciences
Classification: Uncertain significance for MIEF1-related condition. Last evaluated: 2025-01-18. Review status: criteria provided, single submitter. Criteria: ACMG Guidelines, 2015. Collection method: clinical testing. Allele origin: germline.
Comment: The MIEF1 c.1070C>T variant is predicted to result in the amino acid substitution p.Ser357Leu. To our knowledge, this variant has not been reported in the literature. This variant is present in 0.045% of alleles in individuals of European (Finnish) descent in gnomAD, which may be too common to be an unreported cause of disease. Although we suspect that this variant may be benign, at this time, the clinical significance of this variant is uncertain due to the absence of conclusive functional and genetic evidence.

Ambry Genetics
Classification: Uncertain significance. Last evaluated: 2023-12-09. Review status: criteria provided, single submitter. Criteria: Ambry Variant Classification Scheme 2023. Collection method: clinical testing. Allele origin: germline.

NM_019008.6(MIEF1):c.1070C>T (p.Ser357Leu)

Gene: MIEF1 (mitochondrial elongation factor 1; plus strand). Cytogenetic location: 22q13.1.
Variant type: single nucleotide variant.
Coding change: c.1070C>T on transcript NM_019008.6 (MANE Select); coding-DNA position 1070, C replaced by T.
Protein change: p.Ser357Leu; replaces serine 357 with leucine.
Molecular consequence: missense variant. On other transcripts: non-coding transcript variant (2).
Genome position (GRCh38, 1-based): chr22:39,514,001, C>T. VCF-style: chr22-39514001-C-T. GRCh37 (hg19) VCF-style: chr22-39910006-C-T.
Other names: c.1070C>T (NM_001304564.1); c.1070C>T, p.Ser357Leu (NM_001304564.2); short protein forms S357L.
Identifiers: ClinVar variation 3126408 (VCV003126408.2), dbSNP rs779965865, ClinGen allele CA10242763.